The following is an entry in ClinVar:

ClinVar aggregate classification (germline): Uncertain significance. Review status: criteria provided, multiple submitters, no conflicts (2 of 4 stars). 2 submissions from 2 submitters: Uncertain significance (2). Last evaluated 2025-06-10.

gnomAD v4.1: 66 of 1,613,160 alleles (0.0041%); highest among the groups gnomAD compares: Non-Finnish European, 0.0055%; no homozygotes.

Submissions (2):

Ambry Genetics
Classification: Uncertain significance. Last evaluated: 2025-06-10. Review status: criteria provided, single submitter. Criteria: Ambry Variant Classification Scheme 2023. Collection method: clinical testing. Allele origin: germline.

Labcorp Genetics (formerly Invitae), Labcorp
Classification: Uncertain significance. Last evaluated: 2025-06-10. Review status: criteria provided, single submitter. Criteria: Invitae Variant Classification Sherloc (09022015). Collection method: clinical testing. Allele origin: germline.
Comment: This sequence change replaces glutamine, which is neutral and polar, with histidine, which is basic and polar, at codon 1153 of the RIMS1 protein (p.Gln1153His). This variant is present in population databases (rs746551422, gnomAD 0.004%). This variant has not been reported in the literature in individuals affected with RIMS1-related conditions. ClinVar contains an entry for this variant (Variation ID: 3665987). An algorithm developed to predict the effect of missense changes on protein structure and function (PolyPhen-2) suggests that this variant is likely to be disruptive. In summary, the available evidence is currently insufficient to determine the role of this variant in disease. Therefore, it has been classified as a Variant of Uncertain Significance.

NM_014989.7(RIMS1):c.3459G>C (p.Gln1153His)

Gene: RIMS1 (regulating synaptic membrane exocytosis 1; plus strand). Cytogenetic location: 6q13.
Variant type: single nucleotide variant.
Coding change: c.3459G>C on transcript NM_014989.7 (MANE Select); coding-DNA position 3459, G replaced by C.
Protein change: p.Gln1153His; replaces glutamine 1153 with histidine.
Molecular consequence: missense variant. On other transcripts: intron variant (58).
Genome position (GRCh38, 1-based): chr6:72,274,409, G>C. VCF-style: chr6-72274409-G-C. GRCh37 (hg19) VCF-style: chr6-72984112-G-C.
Other names: c.1625+8360G>C (NM_001350443.2, NM_001350427.2, NM_001350438.2 and 5 more transcripts); c.1536-9638G>C (NM_001350454.2, NM_001350449.2); c.1535+13642G>C (NM_001350432.2); c.1473-9638G>C (NM_001350447.2, NM_001350440.2); c.1472+15298G>C (NM_001350444.2, NM_001350423.2, NM_001350419.2); c.1628+8360G>C (NM_001350452.2, NM_001350446.2, NM_001350442.2 and 7 more transcripts); c.1559+8360G>C (NM_001350462.2, NM_001350428.2, NM_001350459.2 and 1 more transcripts); c.1385+8360G>C (NM_001350469.2, NM_001168409.2, NM_001350466.2 and 2 more transcripts); and 21 more; short protein forms Q539H, Q1153H, Q562H, Q563H, Q541H.
Identifiers: ClinVar variation 3665987 (VCV003665987.3).